The following is an entry in ClinVar:

NM_000218.3(KCNQ1):c.502G>C (p.Gly168Arg)

Gene: KCNQ1 (potassium voltage-gated channel subfamily Q member 1; plus strand). Cytogenetic location: 11p15.5.
Variant type: single nucleotide variant.
Coding change: c.502G>C on transcript NM_000218.3 (MANE Select); coding-DNA position 502, G replaced by C.
Protein change: p.Gly168Arg; replaces glycine 168 with arginine.
Molecular consequence: missense variant.
Genome position (GRCh38, 1-based): chr11:2,570,652, G>C. VCF-style: chr11-2570652-G-C. GRCh37 (hg19) VCF-style: chr11-2591882-G-C.
Other names: p.G168R:GGG>CGG; c.502G>C (LRG_287t1); c.502G>C, p.Gly168Arg (NM_001406836.1); c.232G>C, p.Gly78Arg (NM_001406837.1); c.121G>C, p.Gly41Arg (NM_181798.2); short protein forms G168R, G41R, G78R.
Identifiers: ClinVar variation 53053 (VCV000053053.23), dbSNP rs179489, ClinGen allele CA007272.

ClinVar aggregate classification (germline): Pathogenic. Review status: criteria provided, multiple submitters, no conflicts (2 of 4 stars). 8 submissions from 8 submitters: Pathogenic (7). 1 of the submissions does not count toward it. Last evaluated 2025-12-23.

Conditions:
Cardiovascular phenotype. Identifiers: MedGen CN230736.
KCNQ1-related disorder. Also called: KCNQ1-related condition; KCNQ1-related disorders. Identifiers: MedGen CN239322.
Familial long QT syndrome (RWS). Also called: Congenital long QT syndrome; Romano-Ward syndrome; VENTRICULAR FIBRILLATION WITH PROLONGED QT INTERVAL. Identifiers: Orphanet 768, MedGen C1141890, MONDO:0019171.
Long QT syndrome (LQTS). Identifiers: MedGen C0023976, MeSH D008133, MONDO:0002442. Disease mechanism: loss of function. Inheritance: Various modes of inheritance.

gnomAD v4.1: 1 of 1,612,626 alleles (0.000062%); highest among the groups gnomAD compares: Non-Finnish European, 0.000085%; no homozygotes.

Submissions (8):

Labcorp Genetics (formerly Invitae), Labcorp
Classification: Pathogenic for Long QT syndrome. Last evaluated: 2025-12-23. Review status: criteria provided, single submitter. Criteria: Invitae Variant Classification Sherloc (09022015). Collection method: clinical testing. Allele origin: germline.
Comment: This sequence change replaces glycine, which is neutral and non-polar, with arginine, which is basic and polar, at codon 168 of the KCNQ1 protein (p.Gly168Arg). This variant is present in population databases (rs179489, gnomAD 0.0009%). This missense change has been observed in individuals with long QT syndrome (PMID: 9386136, 9693036, 10973849, 17905336, 19841300; internal data). ClinVar contains an entry for this variant (Variation ID: 53053). Invitae Evidence Modeling of protein sequence and biophysical properties (such as structural, functional, and spatial information, amino acid conservation, physicochemical variation, residue mobility, and thermodynamic stability) indicates that this missense variant is expected to disrupt KCNQ1 protein function with a positive predictive value of 95%. Experimental studies have shown that this missense change affects KCNQ1 function (PMID: 15051636, 22456477). For these reasons, this variant has been classified as Pathogenic.

Ambry Genetics
Classification: Pathogenic for Cardiovascular phenotype. Last evaluated: 2025-09-02. Review status: criteria provided, single submitter. Criteria: Ambry Variant Classification Scheme 2023. Collection method: clinical testing. Allele origin: germline.
Comment: The c.502G>C (p.G168R) alteration is located in exon 3 (coding exon 3) of the KCNQ1 gene. This alteration results from a G to C substitution at nucleotide position 502, causing the glycine (G) at amino acid position 168 to be replaced by an arginine (R). Based on data from gnomAD, the C allele has an overall frequency of <0.001% (1/249646) total alleles studied. The highest observed frequency was 0.001% (1/112848) of European (non-Finnish) alleles. This variant, and another nucleotide substitution resulting in the same amino acid change (c.502G>A), has been detected in multiple unrelated heterozygous individuals reported to have long QT syndrome (LQTS), has been reported to segregate with LQTS in multiple families, and has been reported in the homozygous state in association with Jervell and Lange-Nielsen syndrome (Donger, 1997; Splawski, 1998; Splawski, 2000; M&aacute;rquez, 2006; Kapplinger, 2009; Summers, 2010; Vyas, 2016; Yoshinaga, 2018). This amino acid position is highly conserved in available vertebrate species. This variant has been reported to result in loss of ion channel function in vitro (Westenskow, 2004). This alteration is predicted to be deleterious by in silico analysis. Based on the available evidence, this alteration is classified as pathogenic.

Molecular Diagnostic Laboratory for Inherited Cardiovascular Disease, Montreal Heart Institute
Classification: Pathogenic for Cardiovascular phenotype. Last evaluated: 2024-10-21. Review status: criteria provided, single submitter. Criteria: ACMG Guidelines, 2015. Collection method: clinical testing. Allele origin: germline. Affected: yes.
Comment: PS1;PS3_mod;PS4_mod;PM1_strong;PM2;PM5; PP1_strong,PP2,PP3,PP5

Blueprint Genetics
Classification: Pathogenic for KCNQ1-related disorders. Last evaluated: 2024-08-27. Review status: criteria provided, single submitter. Criteria: ACMG Guidelines, 2015. Collection method: clinical testing. Allele origin: germline. Affected: yes. Observed: 5 variant alleles.

Clinical Genetics Laboratory, Skane University Hospital Lund
Classification: Pathogenic. Last evaluated: 2023-12-01. Review status: criteria provided, single submitter. Criteria: ACMG Guidelines, 2015. Collection method: clinical testing. Allele origin: germline. Affected: yes.

All of Us Research Program, National Institutes of Health
Classification: Pathogenic for Long QT syndrome. Last evaluated: 2023-11-08. Review status: criteria provided, single submitter. Criteria: ACMG Guidelines, 2015. Collection method: clinical testing. Allele origin: germline. Inheritance: Autosomal dominant inheritance. Observed: 1 variant allele, 1 heterozygote.
Comment: The c.502G>C (p.Gly168Arg) variant in the KCNQ1 gene has been identified in multiple individuals affected with Long QT syndrome (LQTS) (PMID:9386136, 36102233, 33256261, 27921062, 26743238, 24103226, 23995044). This variant, and another variant resulting in the same amino acid substitution c.502G>A (p.Gly168Arg), has been observed in multiple individuals referred for the long QT syndrome genetic testing (PMID: 19716085), and reported to segregate with disease in three families with more than ten affected individuals (PMID: 9693036). The other variant resulting in the same amino acid substitution, c.502G>A (p.Gly168Arg), is a well-known disease-causing variant reported in multiple individuals (>15) with LQTS (PMID: 9693036, 20186784, 10973849, 29952348, 12402336, 17905336, 27485560, 19841300, 22949429). In vitro functional studies on HEK293 cells and X. laevis oocytes have demonstrated that this missense substitution p.Gly168Arg affects KCNQ1 channel function and cause reduced channel current (PMID: 22456477, 15051636). In-silico computational prediction tools suggest that the p.Gly168Arg variant may have deleterious effect on the protein function (REVEL score: 0.937). This variant is found to be rare (1/249646; 0.000004) in the general population database (gnomAD) and interpreted as pathogenic by several submitters in the ClinVar database (ClinVar ID: 53053). Therefore, the c.502G>C (p.Gly168Arg) variant in the KCNQ1 gene is classified as pathogenic.

This study involves interpretation of variants in research participants for the purpose of population health screening. Participant phenotype was not available at the time of variant classification. Additional details can be found in publication PMID: 35346344, PMCID: PMC8962531

GeneDx
Classification: Pathogenic. Last evaluated: 2022-01-07. Review status: criteria provided, single submitter. Criteria: GeneDx Variant Classification Process June 2021. Collection method: clinical testing. Allele origin: germline. Affected: yes.
Comment: Observed in multiple unrelated individuals with LQTS referred for genetic testing at GeneDx and in published literature (Donger et al., 1997; Kapplinger et al., 2009); Not observed at significant frequency in large population cohorts (gnomAD); In silico analysis supports that this missense variant has a deleterious effect on protein structure/function; Published functional studies demonstrate that p.(G168R) (nucleotide change not specified) results in lost or reduced channel function (Westenskow et al., 2004; Jons et al., 2011); This variant is associated with the following publications: (PMID: 19716085, 26681611, 28749187, 17091796, 20186784, 27041150, 24103226, 12566525, 14678125, 19490272, 23995044, 21185501, 26318259, 25479336, 9693036, 14531214, 27485560, 10973849, 22949429, 17470695, 22456477, 21451124, 27921062, 33256261, 15051636, 9386136)

Cardiovascular Biomedical Research Unit, Royal Brompton & Harefield NHS Foundation Trust
No classification provided. Condition: Familial long QT syndrome. Review status: no classification provided. Collection method: literature only. Allele origin: germline. Not counted in ClinVar's aggregate classification.
Comment: This variant has been reported as associated with Long QT syndrome in the following publications (PMID:9386136;PMID:19716085;PMID:9693036;PMID:12402336;PMID:14531214;PMID:12566525;PMID:17091796;PMID:17470695;PMID:15051636). This is a literature report, and does not necessarily reflect the clinical interpretation of the Imperial College / Royal Brompton Cardiovascular Genetics laboratory.

Literature cited by the submitters: PubMed 9386136 (cited by 4 submitters); PubMed 9693036 (cited by 4 submitters); PubMed 10973849 (cited by 3 submitters); PubMed 17905336 (cited by Labcorp Genetics (formerly Invitae), Labcorp and All of Us Research Program, National Institutes of Health); PubMed 19841300 (cited by Labcorp Genetics (formerly Invitae), Labcorp and All of Us Research Program, National Institutes of Health); PubMed 15051636 (cited by 4 submitters); PubMed 22456477 (cited by Labcorp Genetics (formerly Invitae), Labcorp and All of Us Research Program, National Institutes of Health); PubMed 17091796 (cited by Ambry Genetics and Cardiovascular Biomedical Research Unit, Royal Brompton & Harefield NHS Foundation Trust); PubMed 19716085 (cited by 3 submitters); PubMed 20186784 (cited by Ambry Genetics and All of Us Research Program, National Institutes of Health); PubMed 27041150 (cited by Ambry Genetics); PubMed 29952348 (cited by Ambry Genetics and All of Us Research Program, National Institutes of Health); PubMed 12402336 (cited by All of Us Research Program, National Institutes of Health and Cardiovascular Biomedical Research Unit, Royal Brompton & Harefield NHS Foundation Trust); PubMed 22949429 (cited by All of Us Research Program, National Institutes of Health); PubMed 23995044 (cited by All of Us Research Program, National Institutes of Health); PubMed 24103226 (cited by All of Us Research Program, National Institutes of Health); PubMed 26743238 (cited by All of Us Research Program, National Institutes of Health); PubMed 27485560 (cited by All of Us Research Program, National Institutes of Health); PubMed 27921062 (cited by All of Us Research Program, National Institutes of Health); PubMed 33256261 (cited by All of Us Research Program, National Institutes of Health); PubMed 36102233 (cited by All of Us Research Program, National Institutes of Health); PubMed 14531214 (cited by Cardiovascular Biomedical Research Unit, Royal Brompton & Harefield NHS Foundation Trust); PubMed 12566525 (cited by Cardiovascular Biomedical Research Unit, Royal Brompton & Harefield NHS Foundation Trust); PubMed 17470695 (cited by Cardiovascular Biomedical Research Unit, Royal Brompton & Harefield NHS Foundation Trust); PubMed 22581653 (cited by Cardiovascular Biomedical Research Unit, Royal Brompton & Harefield NHS Foundation Trust).